The following is an entry in ClinVar:

ClinVar aggregate classification (germline): Pathogenic/Likely pathogenic. Review status: criteria provided, multiple submitters, no conflicts (2 of 4 stars). 3 submissions from 3 submitters: Pathogenic (2); Likely pathogenic (1). Last evaluated 2023-07-31.

Conditions:
Retinal dystrophy. Also called: Inherited retinal dystrophy. Identifiers: Orphanet 71862, MedGen C0854723, MeSH D058499, MONDO:0019118, HP:0000556.
CNGA3-related disorders.

Allele frequency attached by ClinVar (database versions not stated): gnomAD exomes 0.00001.
gnomAD v4.1: 4 of 1,614,160 alleles (0.00025%); highest among the groups gnomAD compares: South Asian, 0.0033%; no homozygotes.

Submissions (3):

Labcorp Genetics (formerly Invitae), Labcorp
Classification: Pathogenic. Last evaluated: 2023-07-31. Review status: criteria provided, single submitter. Criteria: Invitae Variant Classification Sherloc (09022015). Collection method: clinical testing. Allele origin: germline.
Comment: This premature translational stop signal has been observed in individual(s) with achromatopsia (PMID: 14757870). This variant is present in population databases (no rsID available, gnomAD 0.003%). This sequence change creates a premature translational stop signal (p.Gln196*) in the CNGA3 gene. It is expected to result in an absent or disrupted protein product. Loss-of-function variants in CNGA3 are known to be pathogenic (PMID: 14757870, 24903488, 25637600). For these reasons, this variant has been classified as Pathogenic.

Blueprint Genetics
Classification: Likely pathogenic for CNGA3-related disorders. Last evaluated: 2018-06-26. Review status: criteria provided, single submitter. Criteria: ACMG Guidelines, 2015. Collection method: clinical testing. Allele origin: germline. Affected: yes. Observed: 1 variant allele.

Institute of Human Genetics, Univ. Regensburg, Univ. Regensburg
Classification: Pathogenic for Retinal dystrophy. Last evaluated: 2015-01-01. Review status: criteria provided, single submitter. Criteria: ACMG Guidelines, 2015. Collection method: clinical testing. Allele origin: germline. Affected: yes.

Literature cited by the submitters: PubMed 14757870 (cited by Labcorp Genetics (formerly Invitae), Labcorp and Institute of Human Genetics, Univ. Regensburg, Univ. Regensburg); PubMed 24903488 (cited by Labcorp Genetics (formerly Invitae), Labcorp); PubMed 25637600 (cited by Labcorp Genetics (formerly Invitae), Labcorp); PubMed 25525159 (cited by Institute of Human Genetics, Univ. Regensburg, Univ. Regensburg); PubMed 31964843 (cited by Institute of Human Genetics, Univ. Regensburg, Univ. Regensburg).

NM_001298.3(CNGA3):c.586C>T (p.Gln196Ter)

Gene: CNGA3 (cyclic nucleotide gated channel subunit alpha 3; plus strand). Cytogenetic location: 2q11.2.
Variant type: single nucleotide variant.
Coding change: c.586C>T on transcript NM_001298.3 (MANE Select); coding-DNA position 586, C replaced by T.
Protein change: p.Gln196Ter; replaces glutamine 196 with a stop codon.
Molecular consequence: nonsense.
Genome position (GRCh38, 1-based): chr2:98,391,883, C>T. VCF-style: chr2-98391883-C-T. GRCh37 (hg19) VCF-style: chr2-99008346-C-T.
Other names: c.532C>T, p.Gln178Ter (NM_001079878.2); short protein forms Q196*, Q178*.
Identifiers: ClinVar variation 2734248 (VCV002734248.5), dbSNP rs1325419198, ClinGen allele CA347831713.